The following is an entry in ClinVar:

ClinVar aggregate classification (germline): Uncertain significance. Review status: criteria provided, multiple submitters, no conflicts (2 of 4 stars). 3 submissions from 3 submitters: Uncertain significance (3). Last evaluated 2024-09-30.

Conditions:
Hereditary cancer-predisposing syndrome. Also called: Hereditary neoplastic syndrome; Neoplastic Syndromes, Hereditary; Tumor predisposition; Hereditary Cancer Syndrome. Identifiers: Orphanet 140162, MedGen C0027672, MeSH D009386, MONDO:0015356.

Submissions (3):

Color Diagnostics, LLC DBA Color Health
Classification: Uncertain significance for Hereditary cancer-predisposing syndrome. Last evaluated: 2024-09-30. Review status: criteria provided, single submitter. Criteria: ACMG Guidelines, 2015. Collection method: clinical testing. Allele origin: germline.
Comment: This missense variant replaces valine with alanine at codon 698 of the PMS2 protein. Computational prediction suggests that this variant may have deleterious impact on protein structure and function (internally defined REVEL score threshold >= 0.7, PMID: 27666373). To our knowledge, functional studies have not been reported for this variant. This variant has not been reported in individuals affected with PMS2-related disorders in the literature. This variant has not been identified in the general population by the Genome Aggregation Database (gnomAD). The available evidence is insufficient to determine the role of this variant in disease conclusively. Therefore, this variant is classified as a Variant of Uncertain Significance.

Ambry Genetics
Classification: Uncertain significance for Hereditary cancer-predisposing syndrome. Last evaluated: 2024-07-05. Review status: criteria provided, single submitter. Criteria: Ambry Variant Classification Scheme 2023. Collection method: clinical testing. Allele origin: germline.
Comment: The p.V698A variant (also known as c.2093T>C), located in coding exon 12 of the PMS2 gene, results from a T to C substitution at nucleotide position 2093. The valine at codon 698 is replaced by alanine, an amino acid with similar properties. This amino acid position is conserved. In addition, the in silico prediction for this alteration is inconclusive. Based on the available evidence, the clinical significance of this variant remains unclear.

GeneDx
Classification: Uncertain significance. Last evaluated: 2021-10-27. Review status: criteria provided, single submitter. Criteria: GeneDx Variant Classification Process June 2021. Collection method: clinical testing. Allele origin: germline. Affected: yes.
Comment: In silico analysis supports that this missense variant has a deleterious effect on protein structure/function; Has not been previously published as pathogenic or benign to our knowledge

NM_000535.7(PMS2):c.2093T>C (p.Val698Ala)

Gene: PMS2 (PMS1 homolog 2, mismatch repair system component; minus strand). Cytogenetic location: 7p22.1.
Variant type: single nucleotide variant.
Coding change: c.2093T>C on transcript NM_000535.7 (MANE Select); coding-DNA position 2093, T replaced by C.
Protein change: p.Val698Ala; replaces valine 698 with alanine.
Molecular consequence: missense variant. On other transcripts: non-coding transcript variant (1).
Genome position (GRCh38, 1-based): chr7:5,982,905, A>G on the plus strand (T>C on the coding strand, the complement: PMS2 is on the minus strand). VCF-style: chr7-5982905-A-G. GRCh37 (hg19) VCF-style: chr7-6022536-A-G.
Other names: c.1688T>C, p.Val563Ala (NM_001322003.2, NM_001322004.2, NM_001322005.2 and 1 more transcripts); c.1937T>C, p.Val646Ala (NM_001322006.2); c.1775T>C, p.Val592Ala (NM_001322007.2, NM_001322008.2); c.1532T>C, p.Val511Ala (NM_001322010.2); c.1160T>C, p.Val387Ala (NM_001322011.2, NM_001322012.2); c.1520T>C, p.Val507Ala (NM_001322013.2); c.2093T>C, p.Val698Ala (NM_001322014.2); c.1784T>C, p.Val595Ala (NM_001322015.2); short protein forms V387A, V507A, V511A, V563A, V592A, V595A, V646A, V698A.
Identifiers: ClinVar variation 1683853 (VCV001683853.4), dbSNP rs1085308060, ClinGen allele CA366738011.
Genomic context (GRCh38, chr7:5,982,905, plus strand): 5'-AGCACGGTGTGCTGCTGCAGCATCTCGAAGTTATACTTCTCGTCCGTGGCATGCTGGTCC[A>G]CTATGAAGATATCCTCATTCAGTTTGGTTATTATAAATCCCAGGTTAAACTGACCAATGA-3'
Protein context (NP_000526.2, residues 688-708): ITKLNEDIFI[Val698Ala]DQHATDEKYN